The following is an entry in ClinVar:

NM_017841.4(SDHAF2):c.11C>G (p.Ser4Cys)

Gene: SDHAF2 (succinate dehydrogenase complex assembly factor 2; plus strand). Cytogenetic location: 11q12.2.
Variant type: single nucleotide variant.
Coding change: c.11C>G on transcript NM_017841.4 (MANE Select); coding-DNA position 11, C replaced by G.
Protein change: p.Ser4Cys; replaces serine 4 with cysteine.
Molecular consequence: missense variant.
Genome position (GRCh38, 1-based): chr11:61,430,157, C>G. VCF-style: chr11-61430157-C-G. GRCh37 (hg19) VCF-style: chr11-61197629-C-G.
Other names: short protein forms S4C.
Identifiers: ClinVar variation 647376 (VCV000647376.15), dbSNP rs778449586, ClinGen allele CA057758.

ClinVar aggregate classification (germline): Conflicting classifications of pathogenicity. Review status: criteria provided, conflicting classifications (1 of 4 stars). 4 submissions from 4 submitters: Uncertain significance (3); Likely benign (1). Last evaluated 2025-09-10.

Conditions:
Hereditary pheochromocytoma and paraganglioma. Also called: Hereditary paragangliomas and pheochromocytomas; Hereditary pheochromocytoma-paraganglioma; Hereditary Paraganglioma-Pheochromocytoma Syndromes. Identifiers: Orphanet 29072, MedGen C4274332, MONDO:0017366.
Pheochromocytoma/paraganglioma syndrome 2. Also called: SDHAF2-Related Hereditary Paraganglioma-Pheochromocytoma Syndrome; GLOMUS TUMORS, FAMILIAL, 2; Paragangliomas 2; SDHAF2-Related Hereditary Paraganglioma-Pheochromocytoma Syndrome (Paragangliomas 2). Identifiers: Orphanet 29072, MedGen C1866552, MONDO:0011121, OMIM 601650.
Hereditary cancer-predisposing syndrome. Also called: Tumor predisposition; Hereditary Cancer Syndrome; Hereditary neoplastic syndrome; Neoplastic Syndromes, Hereditary. Identifiers: Orphanet 140162, MedGen C0027672, MeSH D009386, MONDO:0015356.

Allele frequency attached by ClinVar (database versions not stated): ExAC 0.00004; gnomAD 0.00001.
gnomAD v4.1: 22 of 1,614,090 alleles (0.0014%); highest among the groups gnomAD compares: South Asian, 0.0077%; no homozygotes.

Submissions (4):

Ambry Genetics
Classification: Likely benign for Hereditary cancer-predisposing syndrome. Last evaluated: 2025-09-10. Review status: criteria provided, single submitter. Criteria: Ambry Variant Classification Scheme 2023. Collection method: clinical testing. Allele origin: germline.

Labcorp Genetics (formerly Invitae), Labcorp
Classification: Uncertain significance for Hereditary pheochromocytoma and paraganglioma. Last evaluated: 2025-05-27. Review status: criteria provided, single submitter. Criteria: Invitae Variant Classification Sherloc (09022015). Collection method: clinical testing. Allele origin: germline.
Comment: This sequence change replaces serine, which is neutral and polar, with cysteine, which is neutral and slightly polar, at codon 4 of the SDHAF2 protein (p.Ser4Cys). This variant is present in population databases (rs778449586, gnomAD 0.02%). This variant has not been reported in the literature in individuals affected with SDHAF2-related conditions. ClinVar contains an entry for this variant (Variation ID: 647376). An algorithm developed to predict the effect of missense changes on protein structure and function (PolyPhen-2) suggests that this variant is likely to be tolerated. In summary, the available evidence is currently insufficient to determine the role of this variant in disease. Therefore, it has been classified as a Variant of Uncertain Significance.

All of Us Research Program, National Institutes of Health
Classification: Uncertain significance for Hereditary pheochromocytoma and paraganglioma. Last evaluated: 2023-04-27. Review status: criteria provided, single submitter. Criteria: ACMG Guidelines, 2015. Collection method: clinical testing. Allele origin: germline. Inheritance: Autosomal dominant inheritance. Observed: 1 variant allele, 1 heterozygote.
Comment: This study involves interpretation of variants in research participants for the purpose of population health screening. Participant phenotype was not available at the time of variant classification. Additional details can be found in publication PMID: 35346344, PMCID: PMC8962531

Baylor Genetics
Classification: Uncertain significance for Pheochromocytoma/paraganglioma syndrome 2. Last evaluated: 2022-12-30. Review status: criteria provided, single submitter. Criteria: ACMG Guidelines, 2015. Collection method: clinical testing. Allele origin: unknown.